The following is an entry in ClinVar:

ClinVar aggregate classification (germline): Conflicting classifications of pathogenicity. Review status: criteria provided, conflicting classifications (1 of 4 stars). 5 submissions from 5 submitters: Uncertain significance (3); Likely benign (1). 1 of the submissions does not count toward it. Last evaluated 2024-08-05.

Conditions:
Hepatoencephalopathy due to combined oxidative phosphorylation defect type 1. Also called: HEPATOENCEPHALOPATHY, EARLY FATAL PROGRESSIVE. Identifiers: Orphanet 137681, MedGen C1836797, MONDO:0012191, OMIM 609060.
Inborn genetic diseases. Identifiers: MedGen C0950123, MeSH D030342.

Allele frequency attached by ClinVar (database versions not stated): gnomAD 0.00001; TOPMed 0.00001; ExAC 0.00007; gnomAD exomes 0.00007 and 0.00009.
gnomAD v4.1: 99 of 1,614,070 alleles (0.0061%); highest among the groups gnomAD compares: South Asian, 0.045%; 2 homozygotes.

Submissions (5):

Ambry Genetics
Classification: Uncertain significance for Inborn genetic diseases. Last evaluated: 2024-08-05. Review status: criteria provided, single submitter. Criteria: Ambry Variant Classification Scheme 2023. Collection method: clinical testing. Allele origin: germline.

Mayo Clinic Laboratories, Mayo Clinic
Classification: Uncertain significance. Last evaluated: 2022-09-30. Review status: criteria provided, single submitter. Criteria: ACMG Guidelines, 2015. Collection method: clinical testing. Allele origin: germline. Observed: 1 variant allele.
Comment: PM2

Fulgent Genetics
Classification: Uncertain significance for Hepatoencephalopathy due to combined oxidative phosphorylation defect type 1. Last evaluated: 2022-03-11. Review status: criteria provided, single submitter. Criteria: ACMG Guidelines, 2015. Collection method: clinical testing. Allele origin: unknown.

Blueprint Genetics
Classification: Likely benign. Last evaluated: 2018-08-20. Review status: criteria provided, single submitter. Criteria: ACMG Guidelines, 2015. Collection method: clinical testing. Allele origin: germline.

Natera, Inc.
Classification: Uncertain significance for Combined oxidative phosphorylation deficiency 1. Last evaluated: 2020-08-14. Review status: no assertion criteria provided. Collection method: clinical testing. Allele origin: germline. Not counted in ClinVar's aggregate classification.

NM_024996.7(GFM1):c.443T>C (p.Val148Ala)

Gene: GFM1 (G elongation factor mitochondrial 1; plus strand). Cytogenetic location: 3q25.32.
Variant type: single nucleotide variant.
Coding change: c.443T>C on transcript NM_024996.7 (MANE Select); coding-DNA position 443, T replaced by C.
Protein change: p.Val148Ala; replaces valine 148 with alanine.
Molecular consequence: missense variant. On other transcripts: non-coding transcript variant (3), intron variant (4).
Genome position (GRCh38, 1-based): chr3:158,646,818, T>C. VCF-style: chr3-158646818-T-C. GRCh37 (hg19) VCF-style: chr3-158364607-T-C.
Other names: p.Val148Ala; c.443T>C, p.Val148Ala (NM_001374356.1, NM_001308164.2, NM_001308166.2 and 1 more transcripts); c.218T>C, p.Val73Ala (NM_001374357.1); c.5+1037T>C (NM_001374359.1, NM_001374360.1, NM_001374361.1); c.234+1037T>C (NM_001374358.1); c.443T>C (NM_024996.5); short protein forms V148A, V73A.
Identifiers: ClinVar variation 991776 (VCV000991776.5), dbSNP rs758591202, ClinGen allele CA2682334.